The following is an entry in ClinVar:

NM_001371986.1(UNC80):c.6850G>A (p.Ala2284Thr)

Gene: UNC80 (unc-80 subunit of NALCN channel complex; plus strand). Cytogenetic location: 2q34.
Variant type: single nucleotide variant.
Coding change: c.6850G>A on transcript NM_001371986.1 (MANE Select); coding-DNA position 6850, G replaced by A.
Protein change: p.Ala2284Thr; replaces alanine 2284 with threonine.
Molecular consequence: missense variant.
Genome position (GRCh38, 1-based): chr2:209,941,424, G>A. VCF-style: chr2-209941424-G-A. GRCh37 (hg19) VCF-style: chr2-210806148-G-A.
Other names: c.6652G>A, p.Ala2218Thr (NM_032504.2); c.6637G>A, p.Ala2213Thr (NM_182587.4); short protein forms A2213T, A2284T, A2218T.
Identifiers: ClinVar variation 1512807 (VCV001512807.6), dbSNP rs570027229, ClinGen allele CA2083418.

ClinVar aggregate classification (germline): Uncertain significance (1 of 4 stars; one submission).

Allele frequency attached by ClinVar (database versions not stated): gnomAD exomes 0.00001 and 0.00002; TOPMed 0.00002; gnomAD 0.00003; ExAC 0.00005; 1000 Genomes Project 0.00020; 1000 Genomes Project 30x 0.00031.
gnomAD v4.1: 18 of 1,548,520 alleles (0.0012%); highest among the groups gnomAD compares: East Asian, 0.0049%; no homozygotes.

Submission:

Labcorp Genetics (formerly Invitae), Labcorp
Classification: Uncertain significance. Last evaluated: 2024-11-05. Review status: criteria provided, single submitter. Criteria: Invitae Variant Classification Sherloc (09022015). Collection method: clinical testing. Allele origin: germline.
Comment: This sequence change replaces alanine, which is neutral and non-polar, with threonine, which is neutral and polar, at codon 2218 of the UNC80 protein (p.Ala2218Thr). This variant is present in population databases (rs570027229, gnomAD 0.004%). This variant has not been reported in the literature in individuals affected with UNC80-related conditions. ClinVar contains an entry for this variant (Variation ID: 1512807). Invitae Evidence Modeling of protein sequence and biophysical properties (such as structural, functional, and spatial information, amino acid conservation, physicochemical variation, residue mobility, and thermodynamic stability) indicates that this missense variant is not expected to disrupt UNC80 protein function with a negative predictive value of 80%. In summary, the available evidence is currently insufficient to determine the role of this variant in disease. Therefore, it has been classified as a Variant of Uncertain Significance.